The following is an entry in ClinVar:

NM_012216.4(MID2):c.1099C>G (p.Gln367Glu)

Genes: MID2 (midline 2; plus strand), LOC101928335 (uncharacterized LOC101928335; minus strand). Cytogenetic location: Xq22.3.
Variant type: single nucleotide variant.
Coding change: c.1099C>G on transcript NM_012216.4 (MANE Select); coding-DNA position 1099, C replaced by G.
Protein change: p.Gln367Glu; replaces glutamine 367 with glutamic acid.
Molecular consequence: missense variant.
Genome position (GRCh38, 1-based): chrX:107,916,027, C>G. VCF-style: chrX-107916027-C-G. GRCh37 (hg19) VCF-style: chrX-107159257-C-G.
Other names: c.1039C>G, p.Gln347Glu (NM_001382751.1, NM_001382752.1); c.1099C>G, p.Gln367Glu (NM_052817.3); short protein forms Q347E, Q367E.
Identifiers: ClinVar variation 5024465 (VCV005024465.1).
Genomic context (GRCh38, chrX:107,916,027, plus strand): 5'-TTTGATGTATATTGATGTACTTTTCTCTTTTTCAGGGTCGCTATGGCAACTGCATCTTCT[C>G]AAGTTCTGATTCCAGACATCAATTTTAATGATGCCTTTGAAAACTTTGCTTTAGATTTTT-3'
Protein context (NP_036348.2, residues 357-377): ERVAMATASS[Gln367Glu]VLIPDINFND

ClinVar aggregate classification (germline): Uncertain significance (1 of 4 stars; one submission).

gnomAD v4.1: 8 of 1,205,205 alleles (0.00066%); highest among the groups gnomAD compares: Non-Finnish European, 0.0009%; no homozygotes.

Submission:

Ambry Genetics
Classification: Uncertain significance. Last evaluated: 2026-06-23. Review status: criteria provided, single submitter. Criteria: Ambry Variant Classification Scheme 2023. Collection method: clinical testing. Allele origin: germline.
Comment: The c.1099C>G (p.Q367E) alteration is located in exon 6 (coding exon 6) of the MID2 gene. This alteration results from a C to G substitution at nucleotide position 1099, causing the glutamine (Q) at amino acid position 367 to be replaced by a glutamic acid (E). Based on data from gnomAD, the G allele has an overall frequency of <0.001% (0/173587) total alleles studied. The highest observed frequency was <0.001% (/) of alleles. Based on insufficient or conflicting evidence, the clinical significance of this alteration remains unclear.